The following is an entry in ClinVar:

ClinVar aggregate classification (germline): Uncertain significance (1 of 4 stars; one submission).

Conditions:
Bardet-Biedl syndrome (BBS). Identifiers: Orphanet 110, MedGen C0752166, MONDO:0015229.

Allele frequency attached by ClinVar (database versions not stated): gnomAD exomes 0.00001; ExAC 0.00002.
gnomAD v4.1: 10 of 1,614,138 alleles (0.00062%); highest among the groups gnomAD compares: South Asian, 0.011%; no homozygotes.

Submission:

Labcorp Genetics (formerly Invitae), Labcorp
Classification: Uncertain significance for Bardet-Biedl syndrome. Last evaluated: 2020-12-12. Review status: criteria provided, single submitter. Criteria: Invitae Variant Classification Sherloc (09022015). Collection method: clinical testing. Allele origin: germline.
Comment: This sequence change replaces proline with serine at codon 149 of the BBS1 protein (p.Pro149Ser). The proline residue is highly conserved and there is a moderate physicochemical difference between proline and serine. This variant is present in population databases (rs762511224, ExAC 0.01%). In summary, the available evidence is currently insufficient to determine the role of this variant in disease. Therefore, it has been classified as a Variant of Uncertain Significance. Algorithms developed to predict the effect of missense changes on protein structure and function (SIFT, PolyPhen-2, Align-GVGD) all suggest that this variant is likely to be tolerated, but these predictions have not been confirmed by published functional studies and their clinical significance is uncertain. This variant has not been reported in the literature in individuals with BBS1-related conditions.

NM_024649.5(BBS1):c.445C>T (p.Pro149Ser)

Gene: BBS1 (Bardet-Biedl syndrome 1; plus strand). Cytogenetic location: 11q13.2.
Variant type: single nucleotide variant.
Coding change: c.445C>T on transcript NM_024649.5 (MANE Select); coding-DNA position 445, C replaced by T.
Protein change: p.Pro149Ser; replaces proline 149 with serine.
Molecular consequence: missense variant.
Genome position (GRCh38, 1-based): chr11:66,515,552, C>T. VCF-style: chr11-66515552-C-T. GRCh37 (hg19) VCF-style: chr11-66283023-C-T.
Other names: short protein forms P149S.
Identifiers: ClinVar variation 1507786 (VCV001507786.8), dbSNP rs762511224, ClinGen allele CA6123347.
Genomic context (GRCh38, chr11:66,515,552, plus strand): 5'-TTTCCTGCCTGGCTTGAGCTCACAGGCTCTCTTCCCACATTGTCACAGGACCGAATCGAC[C>T]CCTTAACCCTGAAGGAGATGCTGGAGAGCATCCGGTGAGAGGCTGCCTTCCCCTTCATAC-3'
Protein context (NP_078925.3, residues 139-159): WNQAKEDRID[Pro149Ser]LTLKEMLESI